The following is an entry in ClinVar:

ClinVar aggregate classification (germline): Benign/Likely benign. Review status: criteria provided, multiple submitters, no conflicts (2 of 4 stars). 2 submissions from 2 submitters: Benign (1); Likely benign (1). Last evaluated 2025-02-16.

Conditions:
Leigh syndrome (NULS). Also called: Leigh's necrotizing encephalopathy; Leigh's disease; Leigh Syndrome (mtDNA deletion); Leigh Disease; Subacute necrotizing encephalopathy; Necrotizing encephalopathy infantile subacute of Leigh. Identifiers: Orphanet 506, MedGen C2931891, MONDO:0009723, OMIM 256000.

Submissions (2):

Laboratory of Genetics, Children's Clinical University Hospital Latvia
Classification: Likely benign. Last evaluated: 2025-02-16. Review status: criteria provided, single submitter. Criteria: ACMG Guidelines, 2015. Collection method: clinical testing. Allele origin: germline. Affected: yes.

Wong Mito Lab, Molecular and Human Genetics, Baylor College of Medicine
Classification: Benign for Leigh syndrome. Last evaluated: 2019-10-17. Review status: criteria provided, single submitter. Criteria: Modified ACMG Guidelines (Unpublished). Collection method: clinical testing. Allele origin: germline.
Comment: The NC_012920.1:m.4960C>T (YP_003024027.1:p.Ala164Val) variant in MTND2 gene is interpretated to be a Benign variant based on the modified ACMG guidelines (unpublished). This variant meets the following evidence codes: BS1, BS4. BP4

NC_012920.1(MT-ND2):m.4960C>T

Gene: MT-ND2 (mitochondrially encoded NADH dehydrogenase 2; plus strand).
Variant type: single nucleotide variant.
Genome position: chrM-4960-C-T.
Identifiers: ClinVar variation 692530 (VCV000692530.2), dbSNP rs1603219696, ClinGen allele CA414778262.
Genomic context (GRCh38, chrMT:4,960, plus strand): 5'-AAATCTCTCCCTCACTAAACGTAAGCCTTCTCCTCACTCTCTCAATCTTATCCATCATAG[C>T]AGGCAGTTGAGGTGGATTAAACCAAACCCAGCTACGCAAAATCTTAGCATACTCCTCAAT-3'